The following is an entry in ClinVar:

ClinVar aggregate classification (germline): Uncertain significance (1 of 4 stars; one submission).

Submission:

Labcorp Genetics (formerly Invitae), Labcorp
Classification: Uncertain significance. Last evaluated: 2023-01-19. Review status: criteria provided, single submitter. Criteria: Invitae Variant Classification Sherloc (09022015). Collection method: clinical testing. Allele origin: germline.
Comment: In summary, the available evidence is currently insufficient to determine the role of this variant in disease. Therefore, it has been classified as a Variant of Uncertain Significance. Algorithms developed to predict the effect of missense changes on protein structure and function are either unavailable or do not agree on the potential impact of this missense change (SIFT: "Deleterious"; PolyPhen-2: "Benign"; Align-GVGD: "Class C0"). This variant has not been reported in the literature in individuals affected with ALPK3-related conditions. This variant is not present in population databases (gnomAD no frequency). This sequence change replaces cysteine, which is neutral and slightly polar, with serine, which is neutral and polar, at codon 109 of the ALPK3 protein (p.Cys109Ser).

NC_000015.10:g.84817172G>C

Gene: ALPK3 (alpha kinase 3; plus strand). Cytogenetic location: 15q25.3.
Variant type: single nucleotide variant.
Genome position: GRCh38 VCF-style: chr15-84817172-G-C. GRCh37 (hg19) VCF-style: chr15-85360403-G-C.
Identifiers: ClinVar variation 3006317 (VCV003006317.3), dbSNP rs1963367904, ClinGen allele CA393368677.